The following is an entry in ClinVar:

NM_001204.7(BMPR2):c.2542C>G (p.Gln848Glu)

Gene: BMPR2 (bone morphogenetic protein receptor type 2; plus strand). Cytogenetic location: 2q33.2.
Variant type: single nucleotide variant.
Coding change: c.2542C>G on transcript NM_001204.7 (MANE Select); coding-DNA position 2542, C replaced by G.
Protein change: p.Gln848Glu; replaces glutamine 848 with glutamic acid.
Molecular consequence: missense variant.
Genome position (GRCh38, 1-based): chr2:202,556,207, C>G. VCF-style: chr2-202556207-C-G. GRCh37 (hg19) VCF-style: chr2-203420930-C-G.
Other names: short protein forms Q848E.
Identifiers: ClinVar variation 5033063 (VCV005033063.1).

ClinVar aggregate classification (germline): Uncertain significance (1 of 4 stars; one submission).

Conditions:
Inborn genetic diseases. Identifiers: MedGen C0950123, MeSH D030342.

gnomAD v4.1: 1 of 1,611,530 alleles (0.000062%); highest among the groups gnomAD compares: Non-Finnish European, 0.000085%; no homozygotes.

Submission:

Ambry Genetics
Classification: Uncertain significance for Inborn genetic diseases. Last evaluated: 2026-06-20. Review status: criteria provided, single submitter. Criteria: Ambry Variant Classification Scheme 2023. Collection method: clinical testing. Allele origin: germline.
Comment: The p.Q848E variant (also known as c.2542C>G), located in coding exon 12 of the BMPR2 gene, results from a C to G substitution at nucleotide position 2542. The glutamine at codon 848 is replaced by glutamic acid, an amino acid with highly similar properties. This amino acid position is conserved. In addition, the in silico prediction for this alteration is inconclusive. Based on the available evidence, the clinical significance of this variant remains unclear.